The following is an entry in ClinVar:

ClinVar aggregate classification (germline): Likely benign. Review status: criteria provided, single submitter (1 of 4 stars). 2 submissions from 2 submitters: Likely benign (1). 1 of the submissions does not count toward it. Last evaluated 2025-12-08.

Conditions:
KSR2-related disorder. Also called: KSR2-related condition.

gnomAD v4.1: 15 of 1,613,782 alleles (0.00093%); highest among the groups gnomAD compares: Admixed American, 0.0033%; no homozygotes.

Submissions (2):

Labcorp Genetics (formerly Invitae), Labcorp
Classification: Likely benign. Last evaluated: 2025-12-08. Review status: criteria provided, single submitter. Criteria: Invitae Variant Classification Sherloc (09022015). Collection method: clinical testing. Allele origin: germline.

PreventionGenetics, part of Exact Sciences
Classification: Likely benign for KSR2-related condition. Last evaluated: 2024-08-20. Review status: no assertion criteria provided. Collection method: clinical testing. Allele origin: germline. Not counted in ClinVar's aggregate classification.
Comment: This variant is classified as likely benign based on ACMG/AMP sequence variant interpretation guidelines (Richards et al. 2015 PMID: 25741868, with internal and published modifications).

NM_173598.6(KSR2):c.1491G>A (p.Thr497=)

Gene: KSR2 (kinase suppressor of ras 2; minus strand). Cytogenetic location: 12q24.22.
Variant type: single nucleotide variant.
Coding change: c.1491G>A on transcript NM_173598.6 (MANE Select); coding-DNA position 1491, G replaced by A.
Protein change: p.Thr497=; no amino-acid change (threonine 497 retained).
Molecular consequence: synonymous variant.
Genome position (GRCh38, 1-based): chr12:117,555,196, C>T on the plus strand (G>A on the coding strand, the complement: KSR2 is on the minus strand). VCF-style: chr12-117555196-C-T. GRCh37 (hg19) VCF-style: chr12-117993001-C-T.
Identifiers: ClinVar variation 3355468 (VCV003355468.3).